The following is an entry in ClinVar:

ClinVar aggregate classification (germline): Uncertain significance (1 of 4 stars; one submission).

Allele frequency attached by ClinVar (database versions not stated): gnomAD 0.00001 and 0.00002; ExAC 0.00003.
gnomAD v4.1: 20 of 1,607,704 alleles (0.0012%); highest among the groups gnomAD compares: East Asian, 0.0045%; no homozygotes.

Submission:

Labcorp Genetics (formerly Invitae), Labcorp
Classification: Uncertain significance. Last evaluated: 2023-08-10. Review status: criteria provided, single submitter. Criteria: Invitae Variant Classification Sherloc (09022015). Collection method: clinical testing. Allele origin: germline.
Comment: In summary, the available evidence is currently insufficient to determine the role of this variant in disease. Therefore, it has been classified as a Variant of Uncertain Significance. This sequence change replaces valine, which is neutral and non-polar, with isoleucine, which is neutral and non-polar, at codon 476 of the PLK4 protein (p.Val476Ile). The frequency data for this variant in the population databases is considered unreliable, as metrics indicate poor data quality at this position in the gnomAD database. Algorithms developed to predict the effect of missense changes on protein structure and function output the following: SIFT: "Not Available"; PolyPhen-2: "Benign"; Align-GVGD: "Not Available". The isoleucine amino acid residue is found in multiple mammalian species, which suggests that this missense change does not adversely affect protein function. ClinVar contains an entry for this variant (Variation ID: 1393942). This variant has not been reported in the literature in individuals affected with PLK4-related conditions.

NM_014264.5(PLK4):c.1426G>A (p.Val476Ile)

Gene: PLK4 (polo like kinase 4; plus strand). Cytogenetic location: 4q28.1.
Variant type: single nucleotide variant.
Coding change: c.1426G>A on transcript NM_014264.5 (MANE Select); coding-DNA position 1426, G replaced by A.
Protein change: p.Val476Ile; replaces valine 476 with isoleucine.
Molecular consequence: missense variant.
Genome position (GRCh38, 1-based): chr4:127,887,463, G>A. VCF-style: chr4-127887463-G-A. GRCh37 (hg19) VCF-style: chr4-128808618-G-A.
Other names: c.1330G>A, p.Val444Ile (NM_001190799.2); c.1303G>A, p.Val435Ile (NM_001190801.2); short protein forms V435I, V444I, V476I.
Identifiers: ClinVar variation 1393942 (VCV001393942.8), dbSNP rs773661736, ClinGen allele CA3076763.